The following is an entry in ClinVar:

ClinVar aggregate classification (germline): Uncertain significance (1 of 4 stars; one submission).

Conditions:
Joubert syndrome. Also called: JOUBERT-BOLTSHAUSER SYNDROME; Familial aplasia of the vermis. Identifiers: Orphanet 475, MedGen C5979921, MONDO:0018772.
Meckel-Gruber syndrome. Also called: DYSENCEPHALIA SPLANCHNOCYSTICA; GRUBER SYNDROME; Dysencephalia splachnocystica. Identifiers: Orphanet 564, MedGen C0265215, MONDO:0018921.

Submission:

Labcorp Genetics (formerly Invitae), Labcorp
Classification: Uncertain significance for Joubert syndrome; Meckel-Gruber syndrome. Last evaluated: 2023-05-15. Review status: criteria provided, single submitter. Criteria: Invitae Variant Classification Sherloc (09022015). Collection method: clinical testing. Allele origin: germline.
Comment: This sequence change replaces serine, which is neutral and polar, with cysteine, which is neutral and slightly polar, at codon 735 of the CC2D2A protein (p.Ser735Cys). This variant is not present in population databases (gnomAD no frequency). This variant has not been reported in the literature in individuals affected with CC2D2A-related conditions. ClinVar contains an entry for this variant (Variation ID: 2165138). Advanced modeling of protein sequence and biophysical properties (such as structural, functional, and spatial information, amino acid conservation, physicochemical variation, residue mobility, and thermodynamic stability) performed at Invitae indicates that this missense variant is not expected to disrupt CC2D2A protein function. In summary, the available evidence is currently insufficient to determine the role of this variant in disease. Therefore, it has been classified as a Variant of Uncertain Significance.

NM_001378615.1(CC2D2A):c.2203A>T (p.Ser735Cys)

Genes: CC2D2A (coiled-coil and C2 domain containing 2A; plus strand), FBXL5 (F-box and leucine rich repeat protein 5; minus strand). Cytogenetic location: 4p15.32.
Variant type: single nucleotide variant.
Coding change: c.2203A>T on transcript NM_001378615.1 (MANE Select); coding-DNA position 2203, A replaced by T.
Protein change: p.Ser735Cys; replaces serine 735 with cysteine.
Molecular consequence: missense variant.
Genome position (GRCh38, 1-based): chr4:15,550,845, A>T. VCF-style: chr4-15550845-A-T. GRCh37 (hg19) VCF-style: chr4-15552468-A-T.
Other names: c.2203A>T, p.Ser735Cys (NM_001080522.2); c.2056A>T, p.Ser686Cys (NM_001378617.1); short protein forms S686C, S735C.
Identifiers: ClinVar variation 2165138 (VCV002165138.4), dbSNP rs781504375, ClinGen allele CA356416993.